The following is an entry in ClinVar:

ClinVar aggregate classification (germline): Uncertain significance. Review status: criteria provided, multiple submitters, no conflicts (2 of 4 stars). 2 submissions from 2 submitters: Uncertain significance (2). Last evaluated 2022-07-12.

Allele frequency attached by ClinVar (database versions not stated): gnomAD 0.00001; gnomAD exomes 0.00001; TOPMed 0.00002.
gnomAD v4.1: 14 of 1,535,892 alleles (0.00091%); highest among the groups gnomAD compares: Non-Finnish European, 0.0012%; no homozygotes.

Submissions (2):

Labcorp Genetics (formerly Invitae), Labcorp
Classification: Uncertain significance. Last evaluated: 2022-07-12. Review status: criteria provided, single submitter. Criteria: Invitae Variant Classification Sherloc (09022015). Collection method: clinical testing. Allele origin: germline.
Comment: In summary, the available evidence is currently insufficient to determine the role of this variant in disease. Therefore, it has been classified as a Variant of Uncertain Significance. Algorithms developed to predict the effect of missense changes on protein structure and function are either unavailable or do not agree on the potential impact of this missense change (SIFT: "Tolerated"; PolyPhen-2: "Not Available"; Align-GVGD: "Class C0"). ClinVar contains an entry for this variant (Variation ID: 194488). This variant has not been reported in the literature in individuals affected with PDZD7-related conditions. This variant is not present in population databases (gnomAD no frequency). This sequence change replaces histidine, which is basic and polar, with proline, which is neutral and non-polar, at codon 813 of the PDZD7 protein (p.His813Pro).

Eurofins Ntd Llc (ga)
Classification: Uncertain significance. Last evaluated: 2014-11-21. Review status: criteria provided, single submitter. Criteria: EGL Classification Definitions 2015. Collection method: clinical testing. Allele origin: germline. Observed: 1 variant allele, 1 heterozygote.

NM_001195263.2(PDZD7):c.2438A>C (p.His813Pro)

Gene: PDZD7 (PDZ domain containing 7; minus strand). Cytogenetic location: 10q24.31.
Variant type: single nucleotide variant.
Coding change: c.2438A>C on transcript NM_001195263.2 (MANE Select); coding-DNA position 2438, A replaced by C.
Protein change: p.His813Pro; replaces histidine 813 with proline.
Molecular consequence: missense variant.
Genome position (GRCh38, 1-based): chr10:101,010,451, T>G on the plus strand (A>C on the coding strand, the complement: PDZD7 is on the minus strand). VCF-style: chr10-101010451-T-G. GRCh37 (hg19) VCF-style: chr10-102770208-T-G.
Other names: short protein forms H813P.
Identifiers: ClinVar variation 194488 (VCV000194488.13), dbSNP rs794727142, ClinGen allele CA240488.
Genomic context (GRCh38, chr10:101,010,451, plus strand): 5'-ACCTTGGCTGCCTCCCCATCCAGAGGTCGTGGCAGAGGGGGTCTGGCCTTCCGAGGCTTG[T>G]GGTAGCGCCCATTGGTCATGCTGGGGGCAGGGGTAGGCACCGGGGATGGGGAGCGTCTAC-3'
Protein context (NP_001182192.1, residues 803-823): PAPSMTNGRY[His813Pro]KPRKARPPLP